The following is an entry in ClinVar:

NM_001447.3(FAT2):c.5970T>C (p.Leu1990=)

Genes: FAT2 (FAT atypical cadherin 2; minus strand), SLC36A1 (solute carrier family 36 member 1; plus strand). Cytogenetic location: 5q33.1.
Variant type: single nucleotide variant.
Coding change: c.5970T>C on transcript NM_001447.3 (MANE Select); coding-DNA position 5970, T replaced by C.
Protein change: p.Leu1990=; no amino-acid change (leucine 1990 retained).
Molecular consequence: synonymous variant.
Genome position (GRCh38, 1-based): chr5:151,545,157, A>G on the plus strand (T>C on the coding strand, the complement: FAT2 is on the minus strand). VCF-style: chr5-151545157-A-G. GRCh37 (hg19) VCF-style: chr5-150924718-A-G.
Identifiers: ClinVar variation 3772657 (VCV003772657.13).
Genomic context (GRCh38, chr5:151,545,157, plus strand): 5'-ATCTGTGCCATTCAAGAGAAAGTAGGAAAGGGTGTCATTCAAATGATTGCCCTGGGCACC[A>G]AGAATCACCAGTGCCTTTCTGTCCTGCAAGTTCTCCTTCACAGCTGCCCAGTAGACATCC-3'
Protein context (NP_001438.1, residues 1980-2000): NLQDRKALVI[Leu1990=]GAQGNHLNDT

ClinVar aggregate classification (germline): Likely benign (1 of 4 stars; one submission).

gnomAD v4.1: 5 of 1,614,184 alleles (0.00031%); highest among the groups gnomAD compares: Non-Finnish European, 0.00034%; no homozygotes.

Submission:

CeGaT Center for Human Genetics Tuebingen
Classification: Likely benign. Last evaluated: 2025-02-01. Review status: criteria provided, single submitter. Criteria: CeGaT Center For Human Genetics Tuebingen Variant Classification Criteria Version 2. Collection method: clinical testing. Allele origin: germline. Affected: yes. Observed: 1 variant allele.
Comment: FAT2: BP4, BP7